The following is an entry in ClinVar:

ClinVar aggregate classification (germline): Likely benign (1 of 4 stars; one submission).

Allele frequency attached by ClinVar (database versions not stated): gnomAD 0.00001; TOPMed 0.00002.

Submission:

GeneDx
Classification: Likely benign. Last evaluated: 2018-05-16. Review status: criteria provided, single submitter. Criteria: GeneDx Variant Classification (06012015). Collection method: clinical testing. Allele origin: germline. Affected: yes.
Comment: This variant is considered likely benign or benign based on one or more of the following criteria: it is a conservative change, it occurs at a poorly conserved position in the protein, it is predicted to be benign by multiple in silico algorithms, and/or has population frequency not consistent with disease.

NM_006912.6(RIT1):c.-91T>G

Gene: RIT1 (Ras like without CAAX 1; minus strand). Cytogenetic location: 1q22.
Variant type: single nucleotide variant.
Coding change: c.-91T>G on transcript NM_006912.6 (MANE Select); 91 bases upstream of the start codon, T replaced by G.
Molecular consequence: 5 prime UTR variant.
Genome position (GRCh38, 1-based): chr1:155,911,290, A>C on the plus strand (T>G on the coding strand, the complement: RIT1 is on the minus strand). VCF-style: chr1-155911290-A-C. GRCh37 (hg19) VCF-style: chr1-155881081-A-C.
Other names: c.-91T>G (LRG_1372t1); c.-50T>G (NM_001256820.2).
Identifiers: ClinVar variation 561848 (VCV000561848.1), dbSNP rs1238174826, ClinGen allele CA658821145.